The following is an entry in ClinVar:

ClinVar aggregate classification (germline): Likely benign (0 of 4 stars; one submission).

Conditions:
P2RY11-related disorder. Also called: P2RY11-related condition.

Allele frequency attached by ClinVar (database versions not stated): ExAC 0.00007.

Submission:

PreventionGenetics, part of Exact Sciences
Classification: Likely benign for P2RY11-related condition. Last evaluated: 2023-01-12. Review status: no assertion criteria provided. Collection method: clinical testing. Allele origin: germline.
Comment: This variant is classified as likely benign based on ACMG/AMP sequence variant interpretation guidelines (Richards et al. 2015 PMID: 25741868, with internal and published modifications).

NM_002566.5(P2RY11):c.207C>A (p.Val69=)

Genes: P2RY11 (purinergic receptor P2Y11; plus strand), PPAN-P2RY11 (PPAN-P2RY11 readthrough; plus strand), LOC113939967 (Sharpr-MPRA regulatory region 3609; plus strand). Cytogenetic location: 19p13.2.
Variant type: single nucleotide variant.
Coding change: c.207C>A on transcript NM_002566.5 (MANE Select); coding-DNA position 207, C replaced by A.
Protein change: p.Val69=; no amino-acid change (valine 69 retained).
Molecular consequence: synonymous variant. On other transcripts: missense variant (1).
Genome position (GRCh38, 1-based): chr19:10,113,820, C>A. VCF-style: chr19-10113820-C-A. GRCh37 (hg19) VCF-style: chr19-10224496-C-A.
Other names: c.1467C>A, p.Val489= (NM_001040664.3); c.1529C>A, p.Ser510Tyr (NM_001198690.2); short protein forms S510Y.
Identifiers: ClinVar variation 3030630 (VCV003030630.2), dbSNP rs753346854, ClinGen allele CA9186325.